The following is an entry in ClinVar:

ClinVar aggregate classification (germline): Uncertain significance (1 of 4 stars; one submission).

Conditions:
Werner syndrome (WRN). Identifiers: Orphanet 902, MedGen C0043119, MONDO:0010196, OMIM 277700.

Allele frequency attached by ClinVar (database versions not stated): TOPMed below 0.00001; gnomAD 0.00001.
gnomAD v4.1: 4 of 1,611,834 alleles (0.00025%); highest among the groups gnomAD compares: African/African-American, 0.0027%; no homozygotes.

Submission:

Labcorp Genetics (formerly Invitae), Labcorp
Classification: Uncertain significance for Werner syndrome. Last evaluated: 2025-02-10. Review status: criteria provided, single submitter. Criteria: Invitae Variant Classification Sherloc (09022015). Collection method: clinical testing. Allele origin: germline.
Comment: This sequence change replaces glycine, which is neutral and non-polar, with aspartic acid, which is acidic and polar, at codon 661 of the WRN protein (p.Gly661Asp). This variant is not present in population databases (gnomAD no frequency). This variant has not been reported in the literature in individuals affected with WRN-related conditions. ClinVar contains an entry for this variant (Variation ID: 404043). An algorithm developed to predict the effect of missense changes on protein structure and function (PolyPhen-2) suggests that this variant is likely to be disruptive. In summary, the available evidence is currently insufficient to determine the role of this variant in disease. Therefore, it has been classified as a Variant of Uncertain Significance.

NM_000553.6(WRN):c.1982G>A (p.Gly661Asp)

Gene: WRN (WRN RecQ like helicase; plus strand). Cytogenetic location: 8p12.
Variant type: single nucleotide variant.
Coding change: c.1982G>A on transcript NM_000553.6 (MANE Select); coding-DNA position 1982, G replaced by A.
Protein change: p.Gly661Asp; replaces glycine 661 with aspartic acid.
Molecular consequence: missense variant.
Genome position (GRCh38, 1-based): chr8:31,100,849, G>A. VCF-style: chr8-31100849-G-A. GRCh37 (hg19) VCF-style: chr8-30958365-G-A.
Other names: short protein forms G661D.
Identifiers: ClinVar variation 404043 (VCV000404043.6), dbSNP rs755426500, ClinGen allele CA16612489.